The following is an entry in ClinVar:

ClinVar aggregate classification (germline): Benign. Review status: criteria provided, multiple submitters, no conflicts (2 of 4 stars). 2 submissions from 2 submitters: Benign (2). Last evaluated 2018-06-15.

Allele frequency attached by ClinVar (database versions not stated): 1000 Genomes Project 0.72744; 1000 Genomes Project 30x 0.73485; gnomAD exomes 0.73778; gnomAD 0.75823; TOPMed 0.77493.
gnomAD v4.1: 421,794 of 564,802 alleles (75%); highest among the groups gnomAD compares: African/African-American, 85%; 159,278 homozygotes.

Submissions (2):

GeneDx
Classification: Benign. Last evaluated: 2018-06-15. Review status: criteria provided, single submitter. Criteria: GeneDx Variant Classification (06012015). Collection method: clinical testing. Allele origin: germline. Affected: yes.
Comment: This variant is considered likely benign or benign based on one or more of the following criteria: it is a conservative change, it occurs at a poorly conserved position in the protein, it is predicted to be benign by multiple in silico algorithms, and/or has population frequency not consistent with disease.

Breakthrough Genomics
Classification: Benign. Review status: criteria provided, single submitter. Criteria: ACMG Guidelines, 2015. Collection method: not provided. Allele origin: germline. Inheritance: Autosomal dominant inheritance. Affected: yes.

NM_001035.3(RYR2):c.9128+111T>C

Gene: RYR2 (ryanodine receptor 2; plus strand). Cytogenetic location: 1q43.
Variant type: single nucleotide variant.
Coding change: c.9128+111T>C on transcript NM_001035.3 (MANE Select); 111 bases into the intron after coding-DNA position 9128, T replaced by C.
Molecular consequence: intron variant.
Genome position (GRCh38, 1-based): chr1:237,699,136, T>C. VCF-style: chr1-237699136-T-C. GRCh37 (hg19) VCF-style: chr1-237862436-T-C.
Identifiers: ClinVar variation 672100 (VCV000672100.2), dbSNP rs1521744, ClinGen allele CA39785593.
Genomic context (GRCh38, chr1:237,699,136, plus strand): 5'-TATATATATAAGAATATTAAGAAGGACCCAGTGTCTGGATTTTATTCTTTGGATTTGTAA[T>C]AAAGTCTTTAGTGTAGGTGAAAAGAAAAACTTTTTAAAATTAATACAGTGGCAGCTTATG-3'